The following is an entry in ClinVar:

ClinVar aggregate classification (germline): Likely benign (0 of 4 stars; one submission).

Conditions:
NCAPD3-related disorder. Also called: NCAPD3-related condition.

Allele frequency attached by ClinVar (database versions not stated): gnomAD exomes 0.00001; ExAC 0.00006; gnomAD 0.00009; TOPMed 0.00014; ESP Exome Variant Server 0.00023; 1000 Genomes Project 0.00040; 1000 Genomes Project 30x 0.00078.

Submission:

PreventionGenetics, part of Exact Sciences
Classification: Likely benign for NCAPD3-related condition. Last evaluated: 2020-12-23. Review status: no assertion criteria provided. Collection method: clinical testing. Allele origin: germline.
Comment: This variant is classified as likely benign based on ACMG/AMP sequence variant interpretation guidelines (Richards et al. 2015 PMID: 25741868, with internal and published modifications).

NM_015261.3(NCAPD3):c.1059C>T (p.Val353=)

Gene: NCAPD3 (non-SMC condensin II complex subunit D3; minus strand). Cytogenetic location: 11q25.
Variant type: single nucleotide variant.
Coding change: c.1059C>T on transcript NM_015261.3 (MANE Select); coding-DNA position 1059, C replaced by T.
Protein change: p.Val353=; no amino-acid change (valine 353 retained).
Molecular consequence: synonymous variant.
Genome position (GRCh38, 1-based): chr11:134,204,929, G>A on the plus strand (C>T on the coding strand, the complement: NCAPD3 is on the minus strand). VCF-style: chr11-134204929-G-A. GRCh37 (hg19) VCF-style: chr11-134074824-G-A.
Other names: c.1059C>T, p.Val353= (NM_001372065.1, NM_001372068.1); c.645C>T, p.Val215= (NM_001372069.1, NM_001372070.1).
Identifiers: ClinVar variation 3036213 (VCV003036213.2), dbSNP rs148445580, ClinGen allele CA6371798.
Genomic context (GRCh38, chr11:134,204,929, plus strand): 5'-TGTTATTAATATTACTAAGGCAAACAGTACCTTGGCACAGATGTGCTGCAGTAAGATACG[G>A]ACGACTGGGAATATACTCTCCTTTAATTCATCCACAAGGGCGCTTTGTAAAAGAAAAACA-3'
Protein context (NP_056076.1, residues 343-363): DELKESIFPV[Val353=]RILLQHICAK